The following is an entry in ClinVar:

NM_014915.3(ANKRD26):c.1498A>G (p.Ile500Val)

Gene: ANKRD26 (ankyrin repeat domain 26; minus strand). Cytogenetic location: 10p12.1.
Variant type: single nucleotide variant.
Coding change: c.1498A>G on transcript NM_014915.3 (MANE Select); coding-DNA position 1498, A replaced by G.
Protein change: p.Ile500Val; replaces isoleucine 500 with valine.
Molecular consequence: missense variant.
Genome position (GRCh38, 1-based): chr10:27,060,411, T>C on the plus strand (A>G on the coding strand, the complement: ANKRD26 is on the minus strand). VCF-style: chr10-27060411-T-C. GRCh37 (hg19) VCF-style: chr10-27349340-T-C.
Other names: c.1498A>G, p.Ile500Val (NM_001256053.2); short protein forms I500V.
Identifiers: ClinVar variation 2190857 (VCV002190857.7), dbSNP rs1327875225, ClinGen allele CA376357207.

ClinVar aggregate classification (germline): Conflicting classifications of pathogenicity. Review status: criteria provided, conflicting classifications (1 of 4 stars). 3 submissions from 3 submitters: Uncertain significance (2); Likely benign (1). Last evaluated 2025-12-15.

Conditions:
Inborn genetic diseases. Identifiers: MedGen C0950123, MeSH D030342.

Allele frequency attached by ClinVar (database versions not stated): gnomAD exomes 0.00002; TOPMed 0.00012; gnomAD 0.00015.
gnomAD v4.1: 43 of 1,612,196 alleles (0.0027%); highest among the groups gnomAD compares: Admixed American, 0.063%; no homozygotes.

Submissions (3):

Ambry Genetics
Classification: Likely benign for Inborn genetic diseases. Last evaluated: 2025-12-15. Review status: criteria provided, single submitter. Criteria: Ambry Variant Classification Scheme 2023. Collection method: clinical testing. Allele origin: germline.

Labcorp Genetics (formerly Invitae), Labcorp
Classification: Uncertain significance. Last evaluated: 2024-07-01. Review status: criteria provided, single submitter. Criteria: Invitae Variant Classification Sherloc (09022015). Collection method: clinical testing. Allele origin: germline.
Comment: This sequence change replaces isoleucine, which is neutral and non-polar, with valine, which is neutral and non-polar, at codon 500 of the ANKRD26 protein (p.Ile500Val). This variant is present in population databases (no rsID available, gnomAD 0.05%), and has an allele count higher than expected for a pathogenic variant. This variant has not been reported in the literature in individuals affected with ANKRD26-related conditions. ClinVar contains an entry for this variant (Variation ID: 2190857). Algorithms developed to predict the effect of missense changes on protein structure and function output the following: SIFT: "Not Available"; PolyPhen-2: "Benign"; Align-GVGD: "Not Available". The valine amino acid residue is found in multiple mammalian species, which suggests that this missense change does not adversely affect protein function. In summary, the available evidence is currently insufficient to determine the role of this variant in disease. Therefore, it has been classified as a Variant of Uncertain Significance.

Breakthrough Genomics
Classification: Uncertain significance. Review status: criteria provided, single submitter. Criteria: ACMG Guidelines, 2015. Collection method: not provided. Allele origin: germline. Inheritance: Autosomal dominant inheritance. Affected: yes.